The following is an entry in ClinVar:

ClinVar aggregate classification (germline): Uncertain significance (1 of 4 stars; one submission).

Submission:

GeneDx
Classification: Uncertain significance. Last evaluated: 2024-11-22. Review status: criteria provided, single submitter. Criteria: GeneDx Variant Classification Process June 2021. Collection method: clinical testing. Allele origin: germline. Affected: yes.
Comment: Not observed at significant frequency in large population cohorts (gnomAD); In silico analysis indicates that this missense variant does not alter protein structure/function; Has not been previously published as pathogenic or benign to our knowledge

NM_014159.7(SETD2):c.5672G>C (p.Ser1891Thr)

Gene: SETD2 (SET domain containing 2, histone lysine methyltransferase; minus strand). Cytogenetic location: 3p21.31.
Variant type: single nucleotide variant.
Coding change: c.5672G>C on transcript NM_014159.7 (MANE Select); coding-DNA position 5672, G replaced by C.
Protein change: p.Ser1891Thr; replaces serine 1891 with threonine.
Molecular consequence: missense variant. On other transcripts: non-coding transcript variant (1).
Genome position (GRCh38, 1-based): chr3:47,084,108, C>G on the plus strand (G>C on the coding strand, the complement: SETD2 is on the minus strand). VCF-style: chr3-47084108-C-G. GRCh37 (hg19) VCF-style: chr3-47125598-C-G.
Other names: c.5540G>C, p.Ser1847Thr (NM_001349370.3); short protein forms S1847T, S1891T.
Identifiers: ClinVar variation 3900128 (VCV003900128.1).